The following is an entry in ClinVar:

NM_001377265.1(MAPT):c.1607G>C (p.Gly536Ala)

Gene: MAPT (microtubule associated protein tau). Cytogenetic location: 17q21.31.
Variant type: single nucleotide variant.
Coding change: c.1607G>C on transcript NM_001377265.1 (MANE Select); coding-DNA position 1607, G replaced by C.
Protein change: p.Gly536Ala; replaces glycine 536 with alanine.
Molecular consequence: missense variant. On other transcripts: non-coding transcript variant (1).
Genome position (GRCh38, 1-based): chr17:45,991,461, G>C. VCF-style: chr17-45991461-G-C. GRCh37 (hg19) VCF-style: chr17-44068827-G-C.
Other names: c.1382G>C, p.Gly461Ala (NM_001123066.4, NM_016835.5); c.344G>C, p.Gly115Ala (NM_001123067.4, NM_001203251.2, NM_001377267.1); c.431G>C, p.Gly144Ala (NM_001203252.2, NM_005910.6); c.1409G>C, p.Gly470Ala (NM_001377266.1); c.257G>C, p.Gly86Ala (NM_001377268.1, NM_016834.5, NM_016841.5); short protein forms G461A, G470A, G86A, G115A, G144A, G536A.
Identifiers: ClinVar variation 2159829 (VCV002159829.4), dbSNP rs116231676, ClinGen allele CA399977543.

ClinVar aggregate classification (germline): Uncertain significance (1 of 4 stars; one submission).

Conditions:
Frontotemporal dementia (FTD1). Also called: FRONTOTEMPORAL DEMENTIA WITH PARKINSONISM; FRONTOTEMPORAL LOBE DEMENTIA; MULTIPLE SYSTEM TAUOPATHY WITH PRESENILE DEMENTIA; FRONTOTEMPORAL LOBAR DEGENERATION WITH TAU INCLUSIONS; Dementia, frontotemporal, with or without parkinsonism; Frontotemporal Dementia with Parkinsonism-17 (FTDP-17). Identifiers: Orphanet 282, MedGen C0338451, MONDO:0017276, OMIM 600274, HP:0002145.

gnomAD v4.1: 1 of 1,614,196 alleles (0.000062%); no homozygotes.

Submission:

Labcorp Genetics (formerly Invitae), Labcorp
Classification: Uncertain significance for Frontotemporal dementia. Last evaluated: 2023-05-15. Review status: criteria provided, single submitter. Criteria: Invitae Variant Classification Sherloc (09022015). Collection method: clinical testing. Allele origin: germline.
Comment: In summary, the available evidence is currently insufficient to determine the role of this variant in disease. Therefore, it has been classified as a Variant of Uncertain Significance. An algorithm developed to predict the effect of missense changes on protein structure and function (PolyPhen-2) suggests that this variant is likely to be disruptive. ClinVar contains an entry for this variant (Variation ID: 2159829). This variant has not been reported in the literature in individuals affected with MAPT-related conditions. This variant is not present in population databases (gnomAD no frequency). This sequence change replaces glycine, which is neutral and non-polar, with alanine, which is neutral and non-polar, at codon 144 of the MAPT protein (p.Gly144Ala).